The following is an entry in ClinVar:

ClinVar aggregate classification (germline): Conflicting classifications of pathogenicity. Review status: criteria provided, conflicting classifications (1 of 4 stars). 2 submissions from 2 submitters: Uncertain significance (1); Likely benign (1). Last evaluated 2024-07-30.

Conditions:
Hereditary cancer-predisposing syndrome. Also called: Hereditary neoplastic syndrome; Neoplastic Syndromes, Hereditary; Hereditary Cancer Syndrome; Tumor predisposition. Identifiers: Orphanet 140162, MedGen C0027672, MeSH D009386, MONDO:0015356.
Peutz-Jeghers syndrome (PJS). Also called: POLYPOSIS, HAMARTOMATOUS INTESTINAL; POLYPS-AND-SPOTS SYNDROME; Peutz-Jeghers polyposis; Periorificial lentiginosis syndrome. Identifiers: Orphanet 2869, MedGen C0031269, MeSH D010580, MONDO:0008280, OMIM 175200.

gnomAD v4.1: 2 of 1,578,546 alleles (0.00013%); highest among the groups gnomAD compares: South Asian, 0.0023%; no homozygotes.

Submissions (2):

Labcorp Genetics (formerly Invitae), Labcorp
Classification: Likely benign for Peutz-Jeghers syndrome. Last evaluated: 2024-07-30. Review status: criteria provided, single submitter. Criteria: Invitae Variant Classification Sherloc (09022015). Collection method: clinical testing. Allele origin: germline.

Color Diagnostics, LLC DBA Color Health
Classification: Uncertain significance for Hereditary cancer-predisposing syndrome. Last evaluated: 2020-12-21. Review status: criteria provided, single submitter. Criteria: ACMG Guidelines, 2015. Collection method: clinical testing. Allele origin: germline.
Comment: This variant causes a G to T nucleotide substitution at the -7 position of intron 2 of the STK11 gene. To our knowledge, functional studies have not been reported for this variant. This variant has not been reported in individuals affected with hereditary cancer in the literature. This variant has been identified in 1/196718 chromosomes in the general population by the Genome Aggregation Database (gnomAD). The available evidence is insufficient to determine the role of this variant in disease conclusively. Therefore, this variant is classified as a Variant of Uncertain Significance.

NM_000455.5(STK11):c.375-7G>T

Gene: STK11 (serine/threonine kinase 11; plus strand). Cytogenetic location: 19p13.3.
Variant type: single nucleotide variant.
Coding change: c.375-7G>T on transcript NM_000455.5 (MANE Select); 7 bases into the intron before coding-DNA position 375, G replaced by T.
Molecular consequence: intron variant.
Genome position (GRCh38, 1-based): chr19:1,219,317, G>T. VCF-style: chr19-1219317-G-T. GRCh37 (hg19) VCF-style: chr19-1219316-G-T.
Identifiers: ClinVar variation 1171823 (VCV001171823.4), dbSNP rs587781176, ClinGen allele CA631032067.